The following is an entry in ClinVar:

NM_022893.4(BCL11A):c.1119G>A (p.Pro373=)

Gene: BCL11A (BCL11 transcription factor A; minus strand). Cytogenetic location: 2p16.1.
Variant type: single nucleotide variant.
Coding change: c.1119G>A on transcript NM_022893.4 (MANE Select); coding-DNA position 1119, G replaced by A.
Protein change: p.Pro373=; no amino-acid change (proline 373 retained).
Molecular consequence: synonymous variant. On other transcripts: intron variant (1).
Genome position (GRCh38, 1-based): chr2:60,461,793, C>T on the plus strand (G>A on the coding strand, the complement: BCL11A is on the minus strand). VCF-style: chr2-60461793-C-T. GRCh37 (hg19) VCF-style: chr2-60688928-C-T.
Other names: NC_000002.11:g.60688928C>T; p.Pro373=; c.1017G>A, p.Pro339= (NM_001363864.1, NM_001365609.1); c.1119G>A, p.Pro373= (NM_018014.4); c.630+489G>A (NM_138559.2).
Identifiers: ClinVar variation 788694 (VCV000788694.37), dbSNP rs147757821, ClinGen allele CA1671156.
Genomic context (GRCh38, chr2:60,461,793, plus strand): 5'-CACCAGGTTGCTCTGAAATTTGAACGTCTTGCCGCAGAACTCGCATGACTTGGACTTGAC[C>T]GGGGGCTGGGAGGGAGGAGGGGCGGATTGCAGAGGAGGGAGGGGGGGCGTCGCCAGGAAG-3'
Protein context (NP_075044.2, residues 363-383): LQSAPPPSQP[Pro373=]VKSKSCEFCG

ClinVar aggregate classification (germline): Benign/Likely benign. Review status: criteria provided, multiple submitters, no conflicts (2 of 4 stars). 4 submissions from 4 submitters: Benign (3); Likely benign (1). Last evaluated 2026-07-01.

Allele frequency attached by ClinVar (database versions not stated): 1000 Genomes Project 0.00020; TOPMed 0.00120; ESP Exome Variant Server 0.00146; gnomAD 0.00204 and 0.00206; ExAC 0.00212; gnomAD exomes 0.00214.
gnomAD v4.1: 2,699 of 1,016,548 alleles (0.27%); highest among the groups gnomAD compares: Middle Eastern, 2.9%; 9 homozygotes.

Submissions (7):

CeGaT Center for Human Genetics Tuebingen
Classification: Likely benign. Last evaluated: 2026-07-01. Review status: criteria provided, single submitter. Criteria: CeGaT Center For Human Genetics Tuebingen Variant Classification Criteria Version 2. Collection method: clinical testing. Allele origin: germline. Affected: yes. Observed: 17 variant alleles.
Comment: BCL11A: BP4, BP7, BS1

Mayo Clinic Laboratories, Mayo Clinic
Classification: Benign. Last evaluated: 2023-10-26. Review status: criteria provided, single submitter. Criteria: ACMG Guidelines, 2015. Collection method: clinical testing. Allele origin: germline. Observed: 3 variant alleles.
Comment: BS1, BS2, BP4, BP7

Labcorp Genetics (formerly Invitae), Labcorp
Classification: Benign. Last evaluated: 2019-12-31. Review status: criteria provided, single submitter. Criteria: Invitae Variant Classification Sherloc (09022015). Collection method: clinical testing. Allele origin: germline.

Breakthrough Genomics
Classification: Benign. Review status: criteria provided, single submitter. Criteria: ACMG Guidelines, 2015. Collection method: not provided. Allele origin: germline. Inheritance: Autosomal dominant inheritance. Affected: yes.

Dr. Peter K. Rogan Lab, Western University
No classification provided (evidence only). Condition: Malignant tumor of urinary bladder. Review status: no classification provided. Collection method: in vitro. Allele origin: not applicable. Functional consequence: retained intron. Not counted in ClinVar's aggregate classification.

Dr. Peter K. Rogan Lab, Western University
No classification provided (evidence only). Condition: Clear cell carcinoma of kidney. Review status: no classification provided. Collection method: in vitro. Allele origin: not applicable. Functional consequence: retained intron. Not counted in ClinVar's aggregate classification.

Dr. Peter K. Rogan Lab, Western University
No classification provided (evidence only). Condition: Familial cancer of breast. Review status: no classification provided. Collection method: in vitro. Allele origin: not applicable. Functional consequence: retained intron. Not counted in ClinVar's aggregate classification.